The following is an entry in ClinVar:

NM_005159.5(ACTC1):c.329C>T (p.Ala110Val)

Genes: ACTC1 (actin alpha cardiac muscle 1; minus strand), GJD2-DT (GJD2 divergent transcript; plus strand). Cytogenetic location: 15q14.
Variant type: single nucleotide variant.
Coding change: c.329C>T on transcript NM_005159.5 (MANE Select); coding-DNA position 329, C replaced by T.
Protein change: p.Ala110Val; replaces alanine 110 with valine.
Molecular consequence: missense variant.
Genome position (GRCh38, 1-based): chr15:34,793,370, G>A on the plus strand (C>T on the coding strand, the complement: ACTC1 is on the minus strand). VCF-style: chr15-34793370-G-A. GRCh37 (hg19) VCF-style: chr15-35085571-G-A.
Other names: c.329C>T, p.Ala110Val (NM_001406482.1, NM_001406483.1); c.194C>T, p.Ala65Val (NM_001406484.1); c.-60C>T (NM_001406485.1); short protein forms A110V, A65V.
Identifiers: ClinVar variation 2137647 (VCV002137647.4), dbSNP rs2504182825, ClinGen allele CA391631478.

ClinVar aggregate classification (germline): Uncertain significance (1 of 4 stars; one submission).

Conditions:
Atrial septal defect 5 (ASD5). Identifiers: Orphanet 1478, MedGen C2748552, MONDO:0013011, OMIM 612794.
Hypertrophic cardiomyopathy 11. Also called: ACTC1-Related Familial Hypertrophic Cardiomyopathy. Identifiers: MedGen C2677506, MONDO:0012799, OMIM 612098.
Dilated cardiomyopathy 1R (CMD1R). Identifiers: Orphanet 154, Orphanet 54260, MedGen C3150681, MONDO:0013261, OMIM 613424.

Submission:

Labcorp Genetics (formerly Invitae), Labcorp
Classification: Uncertain significance for Dilated cardiomyopathy 1R; Hypertrophic cardiomyopathy 11; Atrial septal defect 5. Last evaluated: 2022-12-17. Review status: criteria provided, single submitter. Criteria: Invitae Variant Classification Sherloc (09022015). Collection method: clinical testing. Allele origin: germline.
Comment: This sequence change replaces alanine, which is neutral and non-polar, with valine, which is neutral and non-polar, at codon 110 of the ACTC1 protein (p.Ala110Val). This variant is not present in population databases (gnomAD no frequency). This missense change has been observed in individual(s) with ACTC1-related conditions (PMID: 28798025, 30685992). Advanced modeling of protein sequence and biophysical properties (such as structural, functional, and spatial information, amino acid conservation, physicochemical variation, residue mobility, and thermodynamic stability) performed at Invitae indicates that this missense variant is not expected to disrupt ACTC1 protein function. In summary, the available evidence is currently insufficient to determine the role of this variant in disease. Therefore, it has been classified as a Variant of Uncertain Significance.

Literature cited by the submitters: PubMed 28798025; PubMed 30685992.